The following is an entry in ClinVar:

NM_003803.4(MYOM1):c.2623C>T (p.Leu875Phe)

Gene: MYOM1 (myomesin 1; minus strand). Cytogenetic location: 18p11.31.
Variant type: single nucleotide variant.
Coding change: c.2623C>T on transcript NM_003803.4 (MANE Select); coding-DNA position 2623, C replaced by T.
Protein change: p.Leu875Phe; replaces leucine 875 with phenylalanine.
Molecular consequence: missense variant. On other transcripts: intron variant (1).
Genome position (GRCh38, 1-based): chr18:3,129,403, G>A on the plus strand (C>T on the coding strand, the complement: MYOM1 is on the minus strand). VCF-style: chr18-3129403-G-A. GRCh37 (hg19) VCF-style: chr18-3129401-G-A.
Other names: c.2506+1972C>T (NM_019856.2); short protein forms L875F.
Identifiers: ClinVar variation 1716010 (VCV001716010.5), dbSNP rs2510622074, ClinGen allele CA401710119.

ClinVar aggregate classification (germline): Uncertain significance (1 of 4 stars; one submission).

Conditions:
Hypertrophic cardiomyopathy. Also called: HYPERTROPHIC MYOCARDIOPATHY. Identifiers: Orphanet 217569, MedGen C0007194, MeSH D002312, MONDO:0005045, HP:0001639.

Submission:

Labcorp Genetics (formerly Invitae), Labcorp
Classification: Uncertain significance for Hypertrophic cardiomyopathy. Last evaluated: 2023-12-11. Review status: criteria provided, single submitter. Criteria: Invitae Variant Classification Sherloc (09022015). Collection method: clinical testing. Allele origin: germline.
Comment: This sequence change replaces leucine, which is neutral and non-polar, with phenylalanine, which is neutral and non-polar, at codon 875 of the MYOM1 protein (p.Leu875Phe). This variant is not present in population databases (gnomAD no frequency). This variant has not been reported in the literature in individuals affected with MYOM1-related conditions. ClinVar contains an entry for this variant (Variation ID: 1716010). An algorithm developed to predict the effect of missense changes on protein structure and function (PolyPhen-2) suggests that this variant is likely to be tolerated. In summary, the available evidence is currently insufficient to determine the role of this variant in disease. Therefore, it has been classified as a Variant of Uncertain Significance.